The following is an entry in ClinVar:

NM_022575.4(VPS16):c.1409G>T (p.Cys470Phe)

Gene: VPS16 (VPS16 core subunit of CORVET and HOPS complexes; plus strand). Cytogenetic location: 20p13.
Variant type: single nucleotide variant.
Coding change: c.1409G>T on transcript NM_022575.4 (MANE Select); coding-DNA position 1409, G replaced by T.
Protein change: p.Cys470Phe; replaces cysteine 470 with phenylalanine.
Molecular consequence: missense variant.
Genome position (GRCh38, 1-based): chr20:2,863,331, G>T. VCF-style: chr20-2863331-G-T. GRCh37 (hg19) VCF-style: chr20-2843977-G-T.
Other names: c.977G>T, p.Cys326Phe (NM_080413.3); short protein forms C470F, C326F.
Identifiers: ClinVar variation 5031717 (VCV005031717.1).

ClinVar aggregate classification (germline): Uncertain significance (1 of 4 stars; one submission).

Conditions:
Inborn genetic diseases. Identifiers: MedGen C0950123, MeSH D030342.

gnomAD v4.1: 2 of 1,614,080 alleles (0.00012%); highest among the groups gnomAD compares: Admixed American, 0.0033%; no homozygotes.

Submission:

Ambry Genetics
Classification: Uncertain significance for Inborn genetic diseases. Last evaluated: 2026-07-02. Review status: criteria provided, single submitter. Criteria: Ambry Variant Classification Scheme 2023. Collection method: clinical testing. Allele origin: germline.
Comment: The c.1409G>T (p.C470F) alteration is located in exon 15 (coding exon 15) of the VPS16 gene. This alteration results from a G to T substitution at nucleotide position 1409, causing the cysteine (C) at amino acid position 470 to be replaced by a phenylalanine (F). Based on data from gnomAD, the T allele has an overall frequency of <0.001% (1/251448) total alleles studied. The highest observed frequency was 0.003% (1/34582) of Latino alleles. Based on insufficient or conflicting evidence, the clinical significance of this alteration remains unclear.